The following is an entry in ClinVar:

ClinVar aggregate classification (germline): Pathogenic (1 of 4 stars; one submission).

Conditions:
Congenital muscular dystrophy due to integrin alpha-7 deficiency. Also called: Congenital muscular dystrophy with integrin alpha-7 deficiency; Muscular dystrophy, congenital, due to ITGA7 deficiency; MYOPATHY, CONGENITAL, DUE TO INTEGRIN ALPHA-7 DEFICIENCY. Identifiers: Orphanet 34520, MedGen C2750786, MONDO:0013177, OMIM 613204.

Submission:

Labcorp Genetics (formerly Invitae), Labcorp
Classification: Pathogenic for Congenital muscular dystrophy due to integrin alpha-7 deficiency. Last evaluated: 2019-12-08. Review status: criteria provided, single submitter. Criteria: Invitae Variant Classification Sherloc (09022015). Collection method: clinical testing. Allele origin: germline.
Comment: This variant is not present in population databases (ExAC no frequency). This sequence change creates a premature translational stop signal (p.Trp69*) in the ITGA7 gene. It is expected to result in an absent or disrupted protein product. This variant has not been reported in the literature in individuals with ITGA7-related conditions. For these reasons, this variant has been classified as Pathogenic. Loss-of-function variants in ITGA7 are known to be pathogenic (PMID: 9590299).

Literature cited by the submitters: PubMed 9590299.

NM_002206.3(ITGA7):c.207G>A (p.Trp69Ter)

Gene: ITGA7 (integrin subunit alpha 7; minus strand). Cytogenetic location: 12q13.2.
Variant type: single nucleotide variant.
Coding change: c.207G>A on transcript NM_002206.3 (MANE Select); coding-DNA position 207, G replaced by A.
Protein change: p.Trp69Ter; replaces tryptophan 69 with a stop codon.
Molecular consequence: nonsense. On other transcripts: 5 prime UTR variant (3), intron variant (1).
Genome position (GRCh38, 1-based): chr12:55,703,178, C>T on the plus strand (G>A on the coding strand, the complement: ITGA7 is on the minus strand). VCF-style: chr12-55703178-C-T. GRCh37 (hg19) VCF-style: chr12-56096962-C-T.
Other names: c.207G>A, p.Trp69Ter (NM_001144996.2, NM_001374465.1, NM_001410977.1 and 6 more transcripts); c.-133G>A (NM_001367993.1, NM_001414035.1); c.-966G>A (NM_001367994.1); c.86-1762G>A (NM_001144997.2); short protein forms W69*.
Identifiers: ClinVar variation 838697 (VCV000838697.8), dbSNP rs1874440714, ClinGen allele CA385193999.